The following is an entry in ClinVar:

ClinVar aggregate classification (germline): Benign/Likely benign. Review status: criteria provided, multiple submitters, no conflicts (2 of 4 stars). 3 submissions from 3 submitters: Benign (1); Likely benign (2). Last evaluated 2026-04-16.

Conditions:
DICER1-related tumor predisposition. Also called: DICER1-related pleuropulmonary blastoma cancer predisposition syndrome; DICER1 syndrome. Identifiers: Orphanet 284343, MedGen C3839822, MONDO:0100216.
Hereditary cancer-predisposing syndrome. Also called: Hereditary neoplastic syndrome; Neoplastic Syndromes, Hereditary; Hereditary Cancer Syndrome; Tumor predisposition. Identifiers: Orphanet 140162, MedGen C0027672, MeSH D009386, MONDO:0015356.

Allele frequency attached by ClinVar (database versions not stated): TOPMed 0.00001; ExAC 0.00002; gnomAD exomes 0.00002 and 0.00001.

Submissions (3):

Myriad Genetics, Inc.
Classification: Benign for DICER1-related tumor predisposition. Last evaluated: 2026-04-16. Review status: criteria provided, single submitter. Criteria: Myriad Autosomal Dominant, Autosomal Recessive and X-Linked Classification Criteria (2023). Collection method: clinical testing. Allele origin: unknown.
Comment: This variant is considered benign. This variant is a silent/synonymous amino acid change and it is not expected to impact splicing.

Labcorp Genetics (formerly Invitae), Labcorp
Classification: Likely benign for DICER1-related tumor predisposition. Last evaluated: 2025-12-20. Review status: criteria provided, single submitter. Criteria: Invitae Variant Classification Sherloc (09022015). Collection method: clinical testing. Allele origin: germline.

Ambry Genetics
Classification: Likely benign for Hereditary cancer-predisposing syndrome. Last evaluated: 2018-07-03. Review status: criteria provided, single submitter. Criteria: Ambry Variant Classification Scheme 2023. Collection method: clinical testing. Allele origin: germline.

NM_177438.3(DICER1):c.2148G>A (p.Gly716=)

Gene: DICER1 (dicer 1, ribonuclease III; minus strand). Cytogenetic location: 14q32.13.
Variant type: single nucleotide variant.
Coding change: c.2148G>A on transcript NM_177438.3 (MANE Select); coding-DNA position 2148, G replaced by A.
Protein change: p.Gly716=; no amino-acid change (glycine 716 retained).
Molecular consequence: synonymous variant.
Genome position (GRCh38, 1-based): chr14:95,111,425, C>T on the plus strand (G>A on the coding strand, the complement: DICER1 is on the minus strand). VCF-style: chr14-95111425-C-T. GRCh37 (hg19) VCF-style: chr14-95577762-C-T.
Other names: c.2148G>A, p.Gly716= (NM_001195573.1, NM_001271282.3, NM_001291628.2 and 1 more transcripts).
Identifiers: ClinVar variation 477089 (VCV000477089.17), dbSNP rs771939746, ClinGen allele CA7331297.